The following is an entry in ClinVar:

NM_000059.4(BRCA2):c.3410T>C (p.Leu1137Ser)

Gene: BRCA2 (BRCA2 DNA repair associated; plus strand). Cytogenetic location: 13q13.1.
Variant type: single nucleotide variant.
Coding change: c.3410T>C on transcript NM_000059.4 (MANE Select); coding-DNA position 3410, T replaced by C.
Protein change: p.Leu1137Ser; replaces leucine 1137 with serine.
Molecular consequence: missense variant.
Genome position (GRCh38, 1-based): chr13:32,337,765, T>C. VCF-style: chr13-32337765-T-C. GRCh37 (hg19) VCF-style: chr13-32911902-T-C.
Other names: short protein forms L1137S.
Identifiers: ClinVar variation 462292 (VCV000462292.10), dbSNP rs1555283225, ClinGen allele CA387776487.

ClinVar aggregate classification (germline): Conflicting classifications of pathogenicity. Review status: criteria provided, conflicting classifications (1 of 4 stars). 2 submissions from 2 submitters: Uncertain significance (1); Likely benign (1). Last evaluated 2023-03-23.

Conditions:
Hereditary cancer-predisposing syndrome. Also called: Neoplastic Syndromes, Hereditary; Hereditary Cancer Syndrome; Hereditary neoplastic syndrome; Tumor predisposition. Identifiers: Orphanet 140162, MedGen C0027672, MeSH D009386, MONDO:0015356.
Hereditary breast ovarian cancer syndrome. Also called: Hereditary breast and ovarian cancer syndrome (HBOC); Hereditary breast and ovarian cancer syndrome; Breast and ovarian cancer; Hereditary breast and/or ovarian cancer syndrome; Hereditary breast and ovarian cancer; BRCA1- and BRCA2-Associated Hereditary Breast and Ovarian Cancer. Identifiers: Orphanet 145, MedGen C0677776, MeSH D061325, MONDO:0003582. Disease mechanism: loss of function.

Submissions (2):

University of Washington Department of Laboratory Medicine, University of Washington
Classification: Likely benign for Hereditary cancer-predisposing syndrome. Last evaluated: 2023-03-23. Review status: criteria provided, single submitter. Criteria: Dines et al. (Genet Med. 2020). Collection method: curation. Allele origin: germline.
Comment: Missense variant in a coldspot region where missense variants are very unlikely to be pathogenic (PMID:31911673).

BRCA2 exon 11 coldspot. Reclassification based on statistical prior probability.

Labcorp Genetics (formerly Invitae), Labcorp
Classification: Uncertain significance for Hereditary breast ovarian cancer syndrome. Last evaluated: 2022-09-19. Review status: criteria provided, single submitter. Criteria: Invitae Variant Classification Sherloc (09022015). Collection method: clinical testing. Allele origin: germline.
Comment: In summary, the available evidence is currently insufficient to determine the role of this variant in disease. Therefore, it has been classified as a Variant of Uncertain Significance. Advanced modeling of protein sequence and biophysical properties (such as structural, functional, and spatial information, amino acid conservation, physicochemical variation, residue mobility, and thermodynamic stability) performed at Invitae indicates that this missense variant is not expected to disrupt BRCA2 protein function. ClinVar contains an entry for this variant (Variation ID: 462292). This variant has not been reported in the literature in individuals affected with BRCA2-related conditions. This variant is not present in population databases (gnomAD no frequency). This sequence change replaces leucine, which is neutral and non-polar, with serine, which is neutral and polar, at codon 1137 of the BRCA2 protein (p.Leu1137Ser).